The following is an entry in ClinVar:

NM_005026.5(PIK3CD):c.2780G>A (p.Arg927His)

Gene: PIK3CD (phosphatidylinositol-4,5-bisphosphate 3-kinase catalytic subunit delta; plus strand). Cytogenetic location: 1p36.22.
Variant type: single nucleotide variant.
Coding change: c.2780G>A on transcript NM_005026.5 (MANE Select); coding-DNA position 2780, G replaced by A.
Protein change: p.Arg927His; replaces arginine 927 with histidine.
Molecular consequence: missense variant.
Genome position (GRCh38, 1-based): chr1:9,724,337, G>A. VCF-style: chr1-9724337-G-A. GRCh37 (hg19) VCF-style: chr1-9784395-G-A.
Other names: c.2777G>A, p.Arg926His (NM_001350234.2); c.2693G>A, p.Arg898His (NM_001350235.1); short protein forms R898H, R926H, R927H.
Identifiers: ClinVar variation 2671678 (VCV002671678.1), dbSNP rs2525160769, ClinGen allele CA338307979.

ClinVar aggregate classification (germline): Uncertain significance (1 of 4 stars; one submission).

Conditions:
Immunodeficiency 14 (IMD14A). Also called: ACTIVATED PI3K-DELTA SYNDROME 1; Activated PI3K Delta Syndrome Type 1 (APDS1); p110-DELTA-ACTIVATING MUTATION CAUSING SENESCENT T CELLS, LYMPHADENOPATHY, AND IMMUNODEFICIENCY; IMMUNODEFICIENCY 14A WITH LYMPHOPROLIFERATION, AUTOSOMAL DOMINANT. Identifiers: Orphanet 397596, Orphanet 693661, MedGen C5907821, MONDO:0014222, OMIM 615513.

Allele frequency attached by ClinVar (database versions not stated): gnomAD exomes below 0.00001.
gnomAD v4.1: 1 of 1,614,128 alleles (0.000062%); highest among the groups gnomAD compares: Non-Finnish European, 0.000085%; no homozygotes.

Submission:

Neuberg Centre For Genomic Medicine, NCGM
Classification: Uncertain significance for Immunodeficiency 14. Last evaluated: 2023-03-01. Review status: criteria provided, single submitter. Criteria: ACMG Guidelines, 2015. Collection method: clinical testing. Allele origin: germline. Inheritance: Autosomal dominant inheritance. Affected: yes.
Comment: The missense c.2780G>A(p.Arg927His) variant in PIK3CD gene has not been reported previously as a pathogenic variant nor as a benign variant, to our knowledge. The p.Arg927His variant is novel (not in any individuals) in gnomAD Exomes and 1000 Genomes databases. This variant has not been reported to the ClinVar database. The amino acid change p.Arg927His in PIK3CD is predicted as conserved by GERP++ and PhyloP across 100 vertebrates. The amino acid Arg at position 927 is changed to a His changing protein sequence and it might alter its composition and physico-chemical properties. For these reasons, this variant has been classified as Variant of Uncertain Significance (VUS).